The following is an entry in ClinVar:

NC_000003.11:g.(?_193380591)_(193385089_?)del

Gene: OPA1 (OPA1 mitochondrial dynamin like GTPase; plus strand). Cytogenetic location: 3q29.
Variant type: Deletion.
Identifiers: ClinVar variation 2426184 (VCV002426184.4).

ClinVar aggregate classification (germline): Pathogenic (1 of 4 stars; one submission).

Submission:

Labcorp Genetics (formerly Invitae), Labcorp
Classification: Pathogenic. Last evaluated: 2022-06-14. Review status: criteria provided, single submitter. Criteria: Invitae Variant Classification Sherloc (09022015). Collection method: clinical testing. Allele origin: germline.
Comment: For these reasons, this variant has been classified as Pathogenic. This variant disrupts a region of the OPA1 protein in which other variant(s) (p.Asp950Cysfs*4) have been determined to be pathogenic (PMID: 17188070). This suggests that this is a clinically significant region of the protein, and that variants that disrupt it are likely to be disease-causing. This variant has not been reported in the literature in individuals affected with OPA1-related conditions. This variant is a gross deletion of the genomic region encompassing exon(s) 24-27 of the OPA1 gene. While this deletion is not anticipated to lead to nonsense mediated decay, it is expected to disrupt the C-terminus of the protein.

Literature cited by the submitters: PubMed 17188070.